The following is an entry in ClinVar:

NM_001127208.3(TET2):c.1834C>T (p.Pro612Ser)

Genes: TET2 (tet methylcytosine dioxygenase 2; plus strand), TET2-AS1 (TET2 antisense RNA 1; minus strand). Cytogenetic location: 4q24.
Variant type: single nucleotide variant.
Coding change: c.1834C>T on transcript NM_001127208.3 (MANE Select); coding-DNA position 1834, C replaced by T.
Protein change: p.Pro612Ser; replaces proline 612 with serine.
Molecular consequence: missense variant.
Genome position (GRCh38, 1-based): chr4:105,235,776, C>T. VCF-style: chr4-105235776-C-T. GRCh37 (hg19) VCF-style: chr4-106156933-C-T.
Other names: c.1834C>T, p.Pro612Ser (NM_017628.4); short protein forms P612S.
Identifiers: ClinVar variation 2992356 (VCV002992356.3), dbSNP rs1388148871, ClinGen allele CA357796565.

ClinVar aggregate classification (germline): Uncertain significance (1 of 4 stars; one submission).

Submission:

Labcorp Genetics (formerly Invitae), Labcorp
Classification: Uncertain significance. Last evaluated: 2023-05-13. Review status: criteria provided, single submitter. Criteria: Invitae Variant Classification Sherloc (09022015). Collection method: clinical testing. Allele origin: germline.
Comment: In summary, the available evidence is currently insufficient to determine the role of this variant in disease. Therefore, it has been classified as a Variant of Uncertain Significance. Algorithms developed to predict the effect of missense changes on protein structure and function output the following: SIFT: "Not Available"; PolyPhen-2: "Benign"; Align-GVGD: "Not Available". The serine amino acid residue is found in multiple mammalian species, which suggests that this missense change does not adversely affect protein function. This variant has not been reported in the literature in individuals affected with TET2-related conditions. This variant is not present in population databases (gnomAD no frequency). This sequence change replaces proline, which is neutral and non-polar, with serine, which is neutral and polar, at codon 612 of the TET2 protein (p.Pro612Ser).